The following is an entry in ClinVar:

ClinVar aggregate classification (germline): Likely benign (1 of 4 stars; one submission).

gnomAD v4.1: 26 of 1,613,478 alleles (0.0016%); highest among the groups gnomAD compares: African/African-American, 0.0027%; no homozygotes.

Submission:

CeGaT Center for Human Genetics Tuebingen
Classification: Likely benign. Last evaluated: 2026-07-01. Review status: criteria provided, single submitter. Criteria: CeGaT Center For Human Genetics Tuebingen Variant Classification Criteria Version 2. Collection method: clinical testing. Allele origin: germline. Affected: yes. Observed: 1 variant allele.
Comment: ZBED1: BS2

NM_001171136.2(ZBED1):c.1540C>T (p.Arg514Trp)

Genes: DHRSX (dehydrogenase/reductase X-linked; minus strand), ZBED1 (zinc finger BED-type containing 1; minus strand). Cytogenetic location: Xp22.33.
Variant type: single nucleotide variant.
Coding change: c.1540C>T on transcript NM_001171136.2 (MANE Select); coding-DNA position 1540, C replaced by T.
Protein change: p.Arg514Trp; replaces arginine 514 with tryptophan.
Molecular consequence: missense variant. On other transcripts: intron variant (1).
Genome position (GRCh38, 1-based): chrX:2,489,180, G>A on the plus strand (C>T on the coding strand, the complement: ZBED1 is on the minus strand). VCF-style: chrX-2489180-G-A. GRCh37 (hg19) VCF-style: chrX-2407221-G-A.
Other names: c.1540C>T, p.Arg514Trp (NM_001171135.2, NM_004729.4); c.109+11637C>T (NM_145177.3); short protein forms R514W.
Identifiers: ClinVar variation 5039183 (VCV005039183.1).
Genomic context (GRCh38, chrX:2,489,180, plus strand): 5'-GCATGAGCTTCTTGACGGGAGGCTCCTCGGGCACCGGGAAGATCTTGTCCTCAGCCGGCC[G>A]GTAGCCGCCGTCTTTGACCTTGTCCAGCAGGCCCTTGGCCTCTTCCACCACGCGATTCTC-3'
Protein context (NP_001164607.1, residues 504-524): LLDKVKDGGY[Arg514Trp]PAEDKIFPVP